The following is an entry in ClinVar:

ClinVar aggregate classification (germline): Uncertain significance (1 of 4 stars; one submission).

Conditions:
Inborn genetic diseases. Identifiers: MedGen C0950123, MeSH D030342.

Allele frequency attached by ClinVar (database versions not stated): ExAC 0.00001.

Submission:

Ambry Genetics
Classification: Uncertain significance for Inborn genetic diseases. Last evaluated: 2024-10-12. Review status: criteria provided, single submitter. Criteria: Ambry Variant Classification Scheme 2023. Collection method: clinical testing. Allele origin: germline.
Comment: The p.P54R variant (also known as c.161C>G), located in coding exon 1 of the ACD gene, results from a C to G substitution at nucleotide position 161. The proline at codon 54 is replaced by arginine, an amino acid with dissimilar properties. This amino acid position is conserved. In addition, this alteration is predicted to be tolerated by in silico analysis. Since supporting evidence is limited at this time, the clinical significance of this alteration remains unclear.

NM_001082486.1(ACD):c.161C>G (p.Pro54Arg)

Gene: ACD (ACD shelterin complex subunit and telomerase recruitment factor; minus strand). Cytogenetic location: 16q22.1.
Variant type: single nucleotide variant.
Coding change: c.161C>G on transcript NM_001082486.1; coding-DNA position 161, C replaced by G.
Protein change: p.Pro54Arg; replaces proline 54 with arginine.
Genome position (GRCh38, 1-based): chr16:67,660,318, G>C on the plus strand (C>G on the coding strand, the complement: ACD is on the minus strand). VCF-style: chr16-67660318-G-C. GRCh37 (hg19) VCF-style: chr16-67694221-G-C.
Other names: short protein forms P54R.
Identifiers: ClinVar variation 1776570 (VCV001776570.3), dbSNP rs772469759, ClinGen allele CA8114888.
Genomic context (GRCh38, chr16:67,660,318, plus strand): 5'-TTTCCCGCGGGCGCCCAGGCCCCGCCTTTCCTCGGAAGAGGAAGCTCCTTCGCTGGGCGG[G>C]GCCGGAGGAGGAGGCCCCGCCCACGTACACCCCGCGCCTGCGCACGAGGGCGTCCTGCTC-3'